The following is an entry in ClinVar:

NM_015100.4(POGZ):c.3196A>T (p.Lys1066Ter)

Gene: POGZ (pogo transposable element derived with ZNF domain; minus strand). Cytogenetic location: 1q21.3.
Variant type: single nucleotide variant.
Coding change: c.3196A>T on transcript NM_015100.4 (MANE Select); coding-DNA position 3196, A replaced by T.
Protein change: p.Lys1066Ter; replaces lysine 1066 with a stop codon.
Molecular consequence: nonsense.
Genome position (GRCh38, 1-based): chr1:151,405,839, T>A on the plus strand (A>T on the coding strand, the complement: POGZ is on the minus strand). VCF-style: chr1-151405839-T-A. GRCh37 (hg19) VCF-style: chr1-151378315-T-A.
Other names: c.3169A>T, p.Lys1057Ter (NM_001194937.2); c.3010A>T, p.Lys1004Ter (NM_001194938.2); c.3217A>T, p.Lys1073Ter (NM_001410860.1); c.2911A>T, p.Lys971Ter (NM_145796.4); c.3037A>T, p.Lys1013Ter (NM_207171.2); short protein forms K1004*, K1013*, K1057*, K1066*, K1073*, K971*.
Identifiers: ClinVar variation 2581810 (VCV002581810.1), dbSNP rs2529204910, ClinGen allele CA341944922.

ClinVar aggregate classification (germline): Likely pathogenic (1 of 4 stars; one submission).

Submission:

GeneDx
Classification: Likely pathogenic. Last evaluated: 2023-03-28. Review status: criteria provided, single submitter. Criteria: GeneDx Variant Classification Process June 2021. Collection method: clinical testing. Allele origin: germline. Affected: yes.
Comment: Observed in patient with POGZ-related disorder in published literature; however, no further information was provided (Nagy et al., 2022); Nonsense variant predicted to result in protein truncation, as the last 345 amino acids are lost, and other loss-of-function variants have been reported downstream in HGMD; Not observed at significant frequency in large population cohorts (gnomAD); This variant is associated with the following publications: (PMID: 35052493)